The following is an entry in ClinVar:

NM_000321.3(RB1):c.1814+11T>C

Gene: RB1 (RB transcriptional corepressor 1; plus strand). Cytogenetic location: 13q14.2.
Variant type: single nucleotide variant.
Coding change: c.1814+11T>C on transcript NM_000321.3 (MANE Select); 11 bases into the intron after coding-DNA position 1814, T replaced by C.
Molecular consequence: intron variant.
Genome position (GRCh38, 1-based): chr13:48,453,122, T>C. VCF-style: chr13-48453122-T-C. GRCh37 (hg19) VCF-style: chr13-49027258-T-C.
Identifiers: ClinVar variation 675608 (VCV000675608.13), dbSNP rs771369373, ClinGen allele CA032650.

ClinVar aggregate classification (germline): Conflicting classifications of pathogenicity. Review status: criteria provided, conflicting classifications (1 of 4 stars). 5 submissions from 5 submitters: Uncertain significance (1); Benign (1); Likely benign (3). Last evaluated 2025-12-22.

Conditions:
Retinoblastoma (RB1). Also called: RETINOBLASTOMA, SOMATIC. Identifiers: Orphanet 790, MedGen C0035335, MeSH D012175, MONDO:0008380, OMIM 180200, HP:0009919. Disease mechanism: loss of function. Inheritance: Both sporadic and heritable forms are tested..
Hereditary cancer-predisposing syndrome. Also called: Tumor predisposition; Hereditary neoplastic syndrome; Hereditary Cancer Syndrome; Neoplastic Syndromes, Hereditary. Identifiers: Orphanet 140162, MedGen C0027672, MeSH D009386, MONDO:0015356.

Allele frequency attached by ClinVar (database versions not stated): ExAC 0.00002; TOPMed 0.00002; gnomAD 0.00003 and 0.00004; gnomAD exomes 0.00003 and 0.00004.
gnomAD v4.1: 62 of 1,607,706 alleles (0.0039%); highest among the groups gnomAD compares: Non-Finnish European, 0.0048%; no homozygotes.

Submissions (5):

Labcorp Genetics (formerly Invitae), Labcorp
Classification: Likely benign for Retinoblastoma. Last evaluated: 2025-12-22. Review status: criteria provided, single submitter. Criteria: Invitae Variant Classification Sherloc (09022015). Collection method: clinical testing. Allele origin: germline.

Blueprint Genetics
Classification: Benign. Last evaluated: 2023-02-15. Review status: criteria provided, single submitter. Criteria: ACMG Guidelines, 2015. Collection method: clinical testing. Allele origin: germline.

Mendelics
Classification: Uncertain significance. Last evaluated: 2022-05-04. Review status: criteria provided, single submitter. Criteria: Mendelics Assertion Criteria 2019. Collection method: clinical testing. Allele origin: germline.

Sema4
Classification: Likely benign for Hereditary cancer-predisposing syndrome. Last evaluated: 2021-01-11. Review status: criteria provided, single submitter. Criteria: Sema4 Curation Guidelines. Collection method: curation. Allele origin: germline.

GeneDx
Classification: Likely benign. Last evaluated: 2018-04-11. Review status: criteria provided, single submitter. Criteria: GeneDx Variant Classification (06012015). Collection method: clinical testing. Allele origin: germline. Affected: yes.
Comment: This variant is considered likely benign or benign based on one or more of the following criteria: it is a conservative change, it occurs at a poorly conserved position in the protein, it is predicted to be benign by multiple in silico algorithms, and/or has population frequency not consistent with disease.